The following is an entry in ClinVar:

ClinVar aggregate classification (germline): Pathogenic (1 of 4 stars; one submission).

Conditions:
Familial cancer of breast. Also called: BREAST CANCER, FAMILIAL; hereditary breast carcinoma; Hereditary breast cancer. Identifiers: Orphanet 227535, MedGen C0346153, MONDO:0016419, OMIM 114480. Disease mechanism: loss of function.

Submission:

Labcorp Genetics (formerly Invitae), Labcorp
Classification: Pathogenic for Familial cancer of breast. Last evaluated: 2017-02-04. Review status: criteria provided, single submitter. Criteria: Invitae Variant Classification Sherloc (09022015). Collection method: clinical testing. Allele origin: germline.
Comment: This variant is an out-of-frame deletion of the genomic region encompassing exon 5 of the CHEK2 gene. This creates a premature translational stop signal and is expected to result in an absent or disrupted protein product. While this particular gross deletion has not been reported in the literature, exon-level deletions in CHEK2 have been reported in affected individuals and are known to be pathogenic (PMID: 16551709, 24763289, 17085682). For these reasons, this variant has been classified as Pathogenic.

NC_000022.10:g.(?_29115377)_(29115479_?)del

Gene: CHEK2 (checkpoint kinase 2; minus strand). Cytogenetic location: 22q12.1.
Variant type: Deletion.
Identifiers: ClinVar variation 460679 (VCV000460679.2).